The following is an entry in ClinVar:

ClinVar aggregate classification (germline): Likely benign. Review status: criteria provided, multiple submitters, no conflicts (2 of 4 stars). 4 submissions from 4 submitters: Likely benign (4). Last evaluated 2026-01-10.

Conditions:
SBF1-related disorder. Also called: SBF1-related condition.

Allele frequency attached by ClinVar (database versions not stated): gnomAD exomes 0.00012 and 0.00020; TOPMed 0.00012; gnomAD 0.00013; ExAC 0.00015; ESP Exome Variant Server 0.00024.
gnomAD v4.1: 311 of 1,613,340 alleles (0.019%); highest among the groups gnomAD compares: Non-Finnish European, 0.024%; no homozygotes.

Submissions (4):

PreventionGenetics, part of Exact Sciences
Classification: Likely benign for SBF1-related condition. Last evaluated: 2026-01-10. Review status: criteria provided, single submitter. Criteria: ACMG Guidelines, 2015. Collection method: clinical testing. Allele origin: germline.
Comment: This variant is classified as likely benign based on ACMG/AMP sequence variant interpretation guidelines (Richards et al. 2015 PMID: 25741868, with internal and published modifications).

Women's Health and Genetics/Laboratory Corporation of America, LabCorp
Classification: Likely benign. Last evaluated: 2025-12-24. Review status: criteria provided, single submitter. Criteria: LabCorp Variant Classification Summary - May 2015. Collection method: clinical testing. Allele origin: germline.

Labcorp Genetics (formerly Invitae), Labcorp
Classification: Likely benign. Last evaluated: 2025-12-09. Review status: criteria provided, single submitter. Criteria: Invitae Variant Classification Sherloc (09022015). Collection method: clinical testing. Allele origin: germline.

CeGaT Center for Human Genetics Tuebingen
Classification: Likely benign. Last evaluated: 2022-04-01. Review status: criteria provided, single submitter. Criteria: CeGaT Center For Human Genetics Tuebingen Variant Classification Criteria Version 2. Collection method: clinical testing. Allele origin: germline. Affected: yes. Observed: 1 variant allele.
Comment: SBF1: BP4, BP7

NM_002972.4(SBF1):c.834C>T (p.Leu278=)

Gene: SBF1 (SET binding factor 1; minus strand). Cytogenetic location: 22q13.33.
Variant type: single nucleotide variant.
Coding change: c.834C>T on transcript NM_002972.4 (MANE Select); coding-DNA position 834, C replaced by T.
Protein change: p.Leu278=; no amino-acid change (leucine 278 retained).
Molecular consequence: synonymous variant.
Genome position (GRCh38, 1-based): chr22:50,466,213, G>A on the plus strand (C>T on the coding strand, the complement: SBF1 is on the minus strand). VCF-style: chr22-50466213-G-A. GRCh37 (hg19) VCF-style: chr22-50904642-G-A.
Other names: c.837C>T, p.Leu279= (NM_001365819.1).
Identifiers: ClinVar variation 765387 (VCV000765387.41), dbSNP rs377479447, ClinGen allele CA10317943.